The following is an entry in ClinVar:

NM_005562.3(LAMC2):c.1066+12C>A

Gene: LAMC2 (laminin subunit gamma 2; plus strand). Cytogenetic location: 1q25.3.
Variant type: single nucleotide variant.
Coding change: c.1066+12C>A on transcript NM_005562.3 (MANE Select); 12 bases into the intron after coding-DNA position 1066, C replaced by A.
Molecular consequence: intron variant.
Genome position (GRCh38, 1-based): chr1:183,225,732, C>A. VCF-style: chr1-183225732-C-A. GRCh37 (hg19) VCF-style: chr1-183194867-C-A.
Other names: c.1066+12C>A (NM_018891.3).
Identifiers: ClinVar variation 294001 (VCV000294001.16), dbSNP rs12092752, ClinGen allele CA1282514.

ClinVar aggregate classification (germline): Benign. Review status: criteria provided, multiple submitters, no conflicts (2 of 4 stars). 4 submissions from 4 submitters: Benign (4). Last evaluated 2026-02-04.

Conditions:
Junctional epidermolysis bullosa. Identifiers: Orphanet 305, MedGen C0079301, MONDO:0017612.

Allele frequency attached by ClinVar (database versions not stated): 1000 Genomes Project 0.03315; TOPMed 0.03422; 1000 Genomes Project 30x 0.03467; ESP Exome Variant Server 0.03683.
gnomAD v4.1: 9,685 of 1,538,834 alleles (0.63%); highest among the groups gnomAD compares: African/African-American, 11%; 513 homozygotes.

Submissions (4):

Labcorp Genetics (formerly Invitae), Labcorp
Classification: Benign. Last evaluated: 2026-02-04. Review status: criteria provided, single submitter. Criteria: Invitae Variant Classification Sherloc (09022015). Collection method: clinical testing. Allele origin: germline.

GeneDx
Classification: Benign. Last evaluated: 2021-05-13. Review status: criteria provided, single submitter. Criteria: GeneDx Variant Classification Process June 2021. Collection method: clinical testing. Allele origin: germline. Affected: yes.

Illumina Laboratory Services, Illumina
Classification: Benign for Junctional epidermolysis bullosa. Last evaluated: 2018-01-12. Review status: criteria provided, single submitter. Criteria: ICSL Variant Classification Criteria 13 December 2019. Collection method: clinical testing. Allele origin: germline.
Comment: This variant was observed in the ICSL laboratory as part of a predisposition screen in an ostensibly healthy population. It had not been previously curated by ICSL or reported in the Human Gene Mutation Database (HGMD: prior to June 1st, 2018), and was therefore a candidate for classification through an automated scoring system. Utilizing variant allele frequency, disease prevalence and penetrance estimates, and inheritance mode, an automated score was calculated to assess if this variant is too frequent to cause the disease. Based on the score and internal cut-off values, a variant classified as benign is not then subjected to further curation. The score for this variant resulted in a classification of benign for this disease.

Breakthrough Genomics
Classification: Benign. Review status: criteria provided, single submitter. Criteria: ACMG Guidelines, 2015. Collection method: not provided. Allele origin: germline. Inheritance: Autosomal recessive inheritance. Affected: yes.